The following is an entry in ClinVar:

NM_000465.4(BARD1):c.1905G>A (p.Trp635Ter)

Gene: BARD1 (BRCA1 associated RING domain 1; minus strand). Cytogenetic location: 2q35.
Variant type: single nucleotide variant.
Coding change: c.1905G>A on transcript NM_000465.4 (MANE Select); coding-DNA position 1905, G replaced by A.
Protein change: p.Trp635Ter; replaces tryptophan 635 with a stop codon.
Molecular consequence: nonsense. On other transcripts: synonymous variant (1), non-coding transcript variant (3).
Genome position (GRCh38, 1-based): chr2:214,730,507, C>T on the plus strand (G>A on the coding strand, the complement: BARD1 is on the minus strand). VCF-style: chr2-214730507-C-T. GRCh37 (hg19) VCF-style: chr2-215595231-C-T.
Other names: c.1848G>A, p.Trp616Ter (NM_001282543.2); c.552G>A, p.Trp184Ter (NM_001282545.2); c.495G>A, p.Trp165Ter (NM_001282548.2); c.366G>A, p.Gly122= (NM_001282549.2); short protein forms W635*, W184*, W165*, W616*.
Identifiers: ClinVar variation 479187 (VCV000479187.24), dbSNP rs773223671, ClinGen allele CA64793854.

ClinVar aggregate classification (germline): Pathogenic/Likely pathogenic. Review status: criteria provided, multiple submitters, no conflicts (2 of 4 stars). 7 submissions from 7 submitters: Pathogenic (6); Likely pathogenic (1). Last evaluated 2025-12-22.

Conditions:
Hereditary cancer-predisposing syndrome. Also called: Neoplastic Syndromes, Hereditary; Hereditary Cancer Syndrome; Hereditary neoplastic syndrome; Tumor predisposition. Identifiers: Orphanet 140162, MedGen C0027672, MeSH D009386, MONDO:0015356.
BARD1-related cancer predisposition. Identifiers: MedGen CN377756, MONDO:0700267.
Familial cancer of breast. Also called: BREAST CANCER, FAMILIAL; hereditary breast carcinoma; Hereditary breast cancer. Identifiers: Orphanet 227535, MedGen C0346153, MONDO:0016419, OMIM 114480. Disease mechanism: loss of function.

Allele frequency attached by ClinVar (database versions not stated): gnomAD exomes below 0.00001 and 0.00001.
gnomAD v4.1: 14 of 1,613,158 alleles (0.00087%); highest among the groups gnomAD compares: Non-Finnish European, 0.0012%; no homozygotes.

Submissions (7):

Labcorp Genetics (formerly Invitae), Labcorp
Classification: Pathogenic for Familial cancer of breast. Last evaluated: 2025-12-22. Review status: criteria provided, single submitter. Criteria: Invitae Variant Classification Sherloc (09022015). Collection method: clinical testing. Allele origin: germline.
Comment: This sequence change creates a premature translational stop signal (p.Trp635*) in the BARD1 gene. It is expected to result in an absent or disrupted protein product. Loss-of-function variants in BARD1 are known to be pathogenic (PMID: 20077502, 21344236). This variant is present in population databases (rs773223671, gnomAD 0.0009%). This variant has not been reported in the literature in individuals affected with BARD1-related conditions. ClinVar contains an entry for this variant (Variation ID: 479187). For these reasons, this variant has been classified as Pathogenic.

Color Diagnostics, LLC DBA Color Health
Classification: Pathogenic for Hereditary cancer-predisposing syndrome. Last evaluated: 2024-12-10. Review status: criteria provided, single submitter. Criteria: ACMG Guidelines, 2015. Collection method: clinical testing. Allele origin: germline.
Comment: This variant changes 1 nucleotide in exon 10 of the BARD1 gene, creating a premature translation stop signal. This variant is expected to result in an absent or non-functional protein product. This variant has not been reported in individuals affected with hereditary cancer in the literature. This variant has been identified in 1/251242 chromosomes in the general population by the Genome Aggregation Database (gnomAD). Loss of BARD1 function is a known mechanism of disease. Based on the available evidence, this variant is classified as Pathogenic.

Ambry Genetics
Classification: Pathogenic for Hereditary cancer-predisposing syndrome. Last evaluated: 2024-09-03. Review status: criteria provided, single submitter. Criteria: Ambry Variant Classification Scheme 2023. Collection method: clinical testing. Allele origin: germline.
Comment: The p.W635* pathogenic mutation (also known as c.1905G>A), located in coding exon 10 of the BARD1 gene, results from a G to A substitution at nucleotide position 1905. This changes the amino acid from a tryptophan to a stop codon within coding exon 10. This alteration is expected to result in loss of function by premature protein truncation or nonsense-mediated mRNA decay. This variant is considered to be rare based on population cohorts in the Genome Aggregation Database (gnomAD). As such, this alteration is interpreted as a disease-causing mutation.

GeneDx
Classification: Likely pathogenic. Last evaluated: 2023-08-18. Review status: criteria provided, single submitter. Criteria: GeneDx Variant Classification Process June 2021. Collection method: clinical testing. Allele origin: germline. Affected: yes.
Comment: Nonsense variant predicted to result in protein truncation or nonsense mediated decay in a gene for which loss of function is a known mechanism of disease; Not observed at significant frequency in large population cohorts (gnomAD); Observed in an individual with a personal and family history of breast cancer (Lim et al., 2022); This variant is associated with the following publications: (PMID: 36315097)

Department of Pathology and Laboratory Medicine, Sinai Health System
Classification: Pathogenic for BARD1-related cancer predisposition. Last evaluated: 2023-07-25. Review status: criteria provided, single submitter. Criteria: ACMG Guidelines, 2015. Collection method: clinical testing. Allele origin: germline. Affected: yes.

Myriad Genetics, Inc.
Classification: Pathogenic for Familial cancer of breast. Last evaluated: 2023-05-24. Review status: criteria provided, single submitter. Criteria: Myriad Autosomal Dominant, Autosomal Recessive and X-Linked Classification Criteria (2023). Collection method: clinical testing. Allele origin: unknown.
Comment: This variant is considered pathogenic. This variant creates a termination codon and is predicted to result in premature protein truncation.

Baylor Genetics
Classification: Pathogenic for Familial cancer of breast. Last evaluated: 2021-09-14. Review status: criteria provided, single submitter. Criteria: ACMG Guidelines, 2015. Collection method: clinical testing. Allele origin: unknown.

Literature cited by the submitters: PubMed 20077502 (cited by Labcorp Genetics (formerly Invitae), Labcorp); PubMed 21344236 (cited by Labcorp Genetics (formerly Invitae), Labcorp).